The following is an entry in ClinVar:

ClinVar aggregate classification (germline): Uncertain significance (1 of 4 stars; one submission).

Conditions:
Immunodeficiency, common variable, 7. Identifiers: Orphanet 1572, Orphanet 696894, MedGen C3542922, MONDO:0013862, OMIM 614699.

Submission:

Labcorp Genetics (formerly Invitae), Labcorp
Classification: Uncertain significance for Immunodeficiency, common variable, 7. Last evaluated: 2020-07-07. Review status: criteria provided, single submitter. Criteria: Invitae Variant Classification Sherloc (09022015). Collection method: clinical testing. Allele origin: germline.
Comment: In summary, the available evidence is currently insufficient to determine the role of this variant in disease. Therefore, it has been classified as a Variant of Uncertain Significance. Algorithms developed to predict the effect of missense changes on protein structure and function (SIFT, PolyPhen-2, Align-GVGD) all suggest that this variant is likely to be tolerated, but these predictions have not been confirmed by published functional studies and their clinical significance is uncertain. This variant has not been reported in the literature in individuals with CR2-related conditions. This variant is not present in population databases (ExAC no frequency). This sequence change replaces aspartic acid with glutamic acid at codon 1086 of the CR2 protein (p.Asp1086Glu). The aspartic acid residue is moderately conserved and there is a small physicochemical difference between aspartic acid and glutamic acid.

NM_001006658.3(CR2):c.3258T>G (p.Asp1086Glu)

Gene: CR2 (complement C3d receptor 2; plus strand). Cytogenetic location: 1q32.2.
Variant type: single nucleotide variant.
Coding change: c.3258T>G on transcript NM_001006658.3 (MANE Select); coding-DNA position 3258, T replaced by G.
Protein change: p.Asp1086Glu; replaces aspartic acid 1086 with glutamic acid.
Molecular consequence: missense variant.
Genome position (GRCh38, 1-based): chr1:207,485,533, T>G. VCF-style: chr1-207485533-T-G. GRCh37 (hg19) VCF-style: chr1-207658878-T-G.
Other names: c.3081T>G, p.Asp1027Glu (NM_001877.5); short protein forms D1086E, D1027E.
Identifiers: ClinVar variation 1035299 (VCV001035299.8), dbSNP rs1658726667, ClinGen allele CA344543101.